The following is an entry in ClinVar:

ClinVar aggregate classification (germline): Pathogenic/Likely pathogenic. Review status: criteria provided, multiple submitters, no conflicts (2 of 4 stars). 2 submissions from 2 submitters: Pathogenic (1); Likely pathogenic (1). Last evaluated 2024-05-30.

Conditions:
Hereditary acrodermatitis enteropathica (AEZ). Also called: Acrodermatitis enteropathica. Identifiers: Orphanet 37, MedGen C0221036, MONDO:0008713, OMIM 201100.

Allele frequency attached by ClinVar (database versions not stated): gnomAD exomes below 0.00001; TOPMed below 0.00001; gnomAD 0.00001; ESP Exome Variant Server 0.00008.

Submissions (2):

Natera, Inc.
Classification: Likely pathogenic for Acrodermatitis enteropathica. Last evaluated: 2024-05-30. Review status: criteria provided, single submitter. Criteria: Natera Variant Classification Schema (03/2026). Collection method: clinical testing. Allele origin: germline.
Comment: The c.18_22del variant in SLC39A4 is a frameshift variant predicted to shift the reading frame beginning at codon 7 and leads to a stop codon 70 codons downstream. This variant is expected to result in nonsense mediated decay, truncation, or a dysfunctional protein product. This variant is rare in the general population with a frequency below the threshold expected for the associated phenotype(s). Given the available evidence, this variant is classified as Likely Pathogenic.

Labcorp Genetics (formerly Invitae), Labcorp
Classification: Pathogenic. Last evaluated: 2022-07-01. Review status: criteria provided, single submitter. Criteria: Invitae Variant Classification Sherloc (09022015). Collection method: clinical testing. Allele origin: germline.
Comment: For these reasons, this variant has been classified as Pathogenic. This variant has not been reported in the literature in individuals affected with SLC39A4-related conditions. This variant is present in population databases (no rsID available, gnomAD 0.002%). This sequence change creates a premature translational stop signal (p.Leu7Alafs*70) in the SLC39A4 gene. It is expected to result in an absent or disrupted protein product. Loss-of-function variants in SLC39A4 are known to be pathogenic (PMID: 12955721).

Literature cited by the submitters: PubMed 12955721 (cited by Labcorp Genetics (formerly Invitae), Labcorp).

NM_130849.4(SLC39A4):c.18_22del (p.Leu7fs)

Gene: SLC39A4 (solute carrier family 39 member 4; minus strand). Cytogenetic location: 8q24.3.
Variant type: Deletion.
Coding change: c.18_22del on transcript NM_130849.4 (MANE Select); coding-DNA positions 18 to 22, 5 bases deleted (GCTGG; older notation c.18_22delGCTGG).
Protein change: p.Leu7fs; shifts the reading frame from leucine 7.
Molecular consequence: frameshift variant.
Genome position (GRCh38, 1-based): chr8:144,416,768-144,416,772, CCAGC deleted on the plus strand (GCTGG on the coding strand, the reverse complement: SLC39A4 is on the minus strand). VCF-style (leftmost placement, unchanged base first): chr8-144416767-TCCAGC-T. GRCh37 (hg19) VCF-style: chr8-145642151-TCCAGC-T.
Other names: c.18_22del, p.Leu7fs (NM_001374839.1); c.18_22del (NM_130849.3); short protein forms L7fs.
Identifiers: ClinVar variation 1986114 (VCV001986114.5), dbSNP rs1457522002, ClinGen allele CA463450162.